The following is an entry in ClinVar:

NM_000077.5(CDKN2A):c.156G>C (p.Met52Ile)

Gene: CDKN2A (cyclin dependent kinase inhibitor 2A; minus strand). Cytogenetic location: 9p21.3.
Variant type: single nucleotide variant.
Coding change: c.156G>C on transcript NM_000077.5; coding-DNA position 156, G replaced by C.
Protein change: p.Met52Ile; replaces methionine 52 with isoleucine.
Molecular consequence: missense variant (on NM_000077.6). On other transcripts: initiator codon variant (1), 3 prime UTR variant (1).
Genome position (GRCh38, 1-based): chr9:21,971,203, C>G on the plus strand (G>C on the coding strand, the complement: CDKN2A is on the minus strand). VCF-style: chr9-21971203-C-G. GRCh37 (hg19) VCF-style: chr9-21971202-C-G.
Other names: c.156G>C, p.Met52Ile (NM_000077.6, NM_001195132.2); c.3G>C, p.Met1Ile (NM_001363763.2); c.199G>C, p.Asp67His (NM_058195.4); c.*79G>C (NM_058197.5); short protein forms D67H, M1I, M52I.
Identifiers: ClinVar variation 2132254 (VCV002132254.7), dbSNP rs1377159790, ClinGen allele CA373086448.

ClinVar aggregate classification (germline): Uncertain significance. Review status: criteria provided, multiple submitters, no conflicts (2 of 4 stars). 2 submissions from 2 submitters: Uncertain significance (2). Last evaluated 2023-02-28.

Conditions:
Familial melanoma. Also called: Hereditary melanoma; Hereditary cutaneous melanoma. Identifiers: Orphanet 618, MedGen C1512419, MONDO:0018961.
Hereditary cancer-predisposing syndrome. Also called: Neoplastic Syndromes, Hereditary; Hereditary neoplastic syndrome; Tumor predisposition; Hereditary Cancer Syndrome. Identifiers: Orphanet 140162, MedGen C0027672, MeSH D009386, MONDO:0015356.

Submissions (2):

Ambry Genetics
Classification: Uncertain significance for Hereditary cancer-predisposing syndrome. Last evaluated: 2023-02-28. Review status: criteria provided, single submitter. Criteria: Ambry Variant Classification Scheme 2023. Collection method: clinical testing. Allele origin: germline.
Comment: The p.M52I variant (also known as c.156G>C), located in coding exon 2 of the CDKN2A gene, results from a G to C substitution at nucleotide position 156. The methionine at codon 52 is replaced by isoleucine, an amino acid with highly similar properties. This amino acid position is highly conserved in available vertebrate species. In addition, the in silico prediction for this alteration is inconclusive. Since supporting evidence is limited at this time, the clinical significance of this alteration remains unclear.

Labcorp Genetics (formerly Invitae), Labcorp
Classification: Uncertain significance for Familial melanoma. Last evaluated: 2022-04-30. Review status: criteria provided, single submitter. Criteria: Invitae Variant Classification Sherloc (09022015). Collection method: clinical testing. Allele origin: germline.
Comment: In summary, the available evidence is currently insufficient to determine the role of this variant in disease. Therefore, it has been classified as a Variant of Uncertain Significance. Algorithms developed to predict the effect of missense changes on protein structure and function are either unavailable or do not agree on the potential impact of this missense change (SIFT: "Deleterious"; PolyPhen-2: "Benign"; Align-GVGD: "Class C0"). This variant is also known as c.199G>C (p.Asp67His) in CDKN2A (p14ARF) transcript. This variant has not been reported in the literature in individuals affected with CDKN2A (p16INK4a)-related conditions. This variant is not present in population databases (gnomAD no frequency). This sequence change replaces methionine, which is neutral and non-polar, with isoleucine, which is neutral and non-polar, at codon 52 of the CDKN2A (p16INK4a) protein (p.Met52Ile). The CDKN2A gene encodes two different proteins, p16INK4a and p14ARF, which are translated from alternative transcripts with different open reading frames. Both transcripts have been analyzed. We report either the variant with the higher classification or default to the CDKN2A (p16INK4a) variant. This report therefore includes the details for the CDKN2A (p16INK4a) variant.